The following is an entry in ClinVar:

NM_001376.5(DYNC1H1):c.10852G>A (p.Ala3618Thr)

Gene: DYNC1H1 (dynein cytoplasmic 1 heavy chain 1; plus strand). Cytogenetic location: 14q32.31.
Variant type: single nucleotide variant.
Coding change: c.10852G>A on transcript NM_001376.5 (MANE Select); coding-DNA position 10852, G replaced by A.
Protein change: p.Ala3618Thr; replaces alanine 3618 with threonine.
Molecular consequence: missense variant.
Genome position (GRCh38, 1-based): chr14:102,036,586, G>A. VCF-style: chr14-102036586-G-A. GRCh37 (hg19) VCF-style: chr14-102502923-G-A.
Other names: short protein forms A3618T.
Identifiers: ClinVar variation 2834020 (VCV002834020.3), dbSNP rs2503835765, ClinGen allele CA391029920.

ClinVar aggregate classification (germline): Uncertain significance (1 of 4 stars; one submission).

Conditions:
Charcot-Marie-Tooth disease axonal type 2O. Also called: CHARCOT-MARIE-TOOTH DISEASE, AXONAL, AUTOSOMAL DOMINANT, TYPE 2O; CHARCOT-MARIE-TOOTH NEUROPATHY, AXONAL, TYPE 2O; Charcot-Marie-Tooth Neuropathy Type 2O; Charcot-Marie-Tooth disease, axonal, type 20. Identifiers: Orphanet 284232, MedGen C3280220, MONDO:0013644, OMIM 614228.

Submission:

Labcorp Genetics (formerly Invitae), Labcorp
Classification: Uncertain significance for Charcot-Marie-Tooth disease axonal type 2O. Last evaluated: 2023-01-01. Review status: criteria provided, single submitter. Criteria: Invitae Variant Classification Sherloc (09022015). Collection method: clinical testing. Allele origin: germline.
Comment: This variant is not present in population databases (gnomAD no frequency). This sequence change replaces alanine, which is neutral and non-polar, with threonine, which is neutral and polar, at codon 3618 of the DYNC1H1 protein (p.Ala3618Thr). This variant has not been reported in the literature in individuals affected with DYNC1H1-related conditions. In summary, the available evidence is currently insufficient to determine the role of this variant in disease. Therefore, it has been classified as a Variant of Uncertain Significance. Advanced modeling of protein sequence and biophysical properties (such as structural, functional, and spatial information, amino acid conservation, physicochemical variation, residue mobility, and thermodynamic stability) performed at Invitae indicates that this missense variant is not expected to disrupt DYNC1H1 protein function.